The following is an entry in ClinVar:

ClinVar aggregate classification (germline): Conflicting classifications of pathogenicity. Review status: criteria provided, conflicting classifications (1 of 4 stars). 3 submissions from 3 submitters: Likely pathogenic (1); Likely benign (1). 1 of the submissions does not count toward it. Last evaluated 2025-01-01.

Conditions:
Microphthalmia, isolated, with coloboma 6 (MCOPCB6). Also called: MICROPHTHALMIA/COLOBOMA 6; Microphthalmia with coloboma 6, digenic; Microphthalmia with coloboma 6. Identifiers: Orphanet 98938, MedGen C3150968, MONDO:0013376, OMIM 613703.
Isolated microphthalmia 7. Identifiers: Orphanet 2542, MedGen C3150969, MONDO:0013377, OMIM 613704.

Allele frequency attached by ClinVar (database versions not stated): TOPMed 0.00006; 1000 Genomes Project 30x 0.00016; gnomAD 0.00016 and 0.00018; gnomAD exomes 0.00019; 1000 Genomes Project 0.00020; ExAC 0.00021; ESP Exome Variant Server 0.00038.

Submissions (3):

CeGaT Center for Human Genetics Tuebingen
Classification: Likely benign. Last evaluated: 2025-01-01. Review status: criteria provided, single submitter. Criteria: CeGaT Center For Human Genetics Tuebingen Variant Classification Criteria Version 2. Collection method: clinical testing. Allele origin: germline. Affected: yes. Observed: 1 variant allele.
Comment: GDF3: BP4, BS2

Genetics and Genomic Medicine Centre, NeuroGen Healthcare, NeuroGen Healthcare
Classification: Likely pathogenic for Microphthalmia, isolated, with coloboma 6. Last evaluated: 2021-04-20. Review status: criteria provided, single submitter. Criteria: Submitter's publication. Collection method: clinical testing. Allele origin: unknown. Affected: no.

OMIM
Classification: Pathogenic for MICROPHTHALMIA, ISOLATED 7. Last evaluated: 2010-01-15. Review status: no assertion criteria provided. Collection method: literature only. Allele origin: germline. Not counted in ClinVar's aggregate classification.

Literature cited by the submitters: PubMed 19864492 (cited by OMIM).

NM_020634.3(GDF3):c.584G>A (p.Arg195Gln)

Gene: GDF3 (growth differentiation factor 3; minus strand). Cytogenetic location: 12p13.31.
Variant type: single nucleotide variant.
Coding change: c.584G>A on transcript NM_020634.3 (MANE Select); coding-DNA position 584, G replaced by A.
Protein change: p.Arg195Gln; replaces arginine 195 with glutamine.
Molecular consequence: missense variant.
Genome position (GRCh38, 1-based): chr12:7,690,389, C>T on the plus strand (G>A on the coding strand, the complement: GDF3 is on the minus strand). VCF-style: chr12-7690389-C-T. GRCh37 (hg19) VCF-style: chr12-7842985-C-T.
Other names: short protein forms R195Q.
Identifiers: ClinVar variation 30593 (VCV000030593.16), dbSNP rs146973734, ClinGen allele CA129365.